The following is an entry in ClinVar:

ClinVar aggregate classification (germline): Conflicting classifications of pathogenicity. Review status: criteria provided, conflicting classifications (1 of 4 stars). 7 submissions from 7 submitters: Uncertain significance (6); Likely benign (1). Last evaluated 2024-11-13.

Conditions:
Inborn genetic diseases. Identifiers: MedGen C0950123, MeSH D030342.
Vici syndrome (VICIS). Identifiers: Orphanet 1493, MedGen C1855772, MONDO:0009452, OMIM 242840.

Allele frequency attached by ClinVar (database versions not stated): 1000 Genomes Project 30x 0.00016; 1000 Genomes Project 0.00020; TOPMed 0.00037; gnomAD exomes 0.00047 and 0.00062; ESP Exome Variant Server 0.00049; gnomAD 0.00050 and 0.00053; ExAC 0.00062.
gnomAD v4.1: 762 of 1,614,100 alleles (0.047%); highest among the groups gnomAD compares: Non-Finnish European, 0.054%; 1 homozygote.

Submissions (8):

Blueprint Genetics
Classification: Likely benign. Last evaluated: 2024-11-13. Review status: criteria provided, single submitter. Criteria: ACMG Guidelines, 2015. Collection method: clinical testing. Allele origin: germline.

GeneDx
Classification: Uncertain significance. Last evaluated: 2024-08-28. Review status: criteria provided, single submitter. Criteria: GeneDx Variant Classification Process June 2021. Collection method: clinical testing. Allele origin: germline. Affected: yes.
Comment: In silico analysis supports that this missense variant does not alter protein structure/function; Has not been previously published as pathogenic or benign to our knowledge

Labcorp Genetics (formerly Invitae), Labcorp
Classification: Uncertain significance for Vici syndrome. Last evaluated: 2022-10-25. Review status: criteria provided, single submitter. Criteria: Invitae Variant Classification Sherloc (09022015). Collection method: clinical testing. Allele origin: germline.
Comment: This sequence change replaces leucine, which is neutral and non-polar, with valine, which is neutral and non-polar, at codon 2389 of the EPG5 protein (p.Leu2389Val). This variant is present in population databases (rs199602966, gnomAD 0.1%), and has an allele count higher than expected for a pathogenic variant. This variant has not been reported in the literature in individuals affected with EPG5-related conditions. ClinVar contains an entry for this variant (Variation ID: 444432). Advanced modeling of protein sequence and biophysical properties (such as structural, functional, and spatial information, amino acid conservation, physicochemical variation, residue mobility, and thermodynamic stability) performed at Invitae indicates that this missense variant is not expected to disrupt EPG5 protein function. In summary, the available evidence is currently insufficient to determine the role of this variant in disease. Therefore, it has been classified as a Variant of Uncertain Significance.

Ambry Genetics
Classification: Uncertain significance for Inborn genetic diseases. Last evaluated: 2021-12-06. Review status: criteria provided, single submitter. Criteria: Ambry Variant Classification Scheme 2023. Collection method: clinical testing. Allele origin: germline.

Center for Genomics, Ann and Robert H. Lurie Children's Hospital of Chicago
Classification: Uncertain significance for Vici syndrome. Last evaluated: 2021-03-30. Review status: criteria provided, single submitter. Criteria: ACMG Guidelines, 2015. Collection method: clinical testing. Allele origin: germline.
Comment: EPG5 NM_020964.2 exon 41 p.Leu2389Val (c.7165T>G): This variant has not been reported in the literature but is present in 0.1% (152/128640) of European alleles in the Genome Aggregation Database. This variant is present in ClinVar (Variation ID:444432). Evolutionary conservation and computational predictive tools suggest that this variant may not impact the protein. Of note, splice prediction tools suggest that this variant may affect splicing. However, further studies are needed to understand its impact. In summary, data on this variant is insufficient for disease classification. Therefore, the clinical significance of this variant is uncertain.

Eurofins Ntd Llc (ga)
Classification: Uncertain significance. Last evaluated: 2017-05-02. Review status: criteria provided, single submitter. Criteria: EGL Classification Definitions 2015. Collection method: clinical testing. Allele origin: germline. Observed: 1 variant allele, 1 heterozygote.

CeGaT Center for Human Genetics Tuebingen
Classification: Uncertain significance. Last evaluated: 2017-05-01. Review status: criteria provided, single submitter. Criteria: CeGaT Center For Human Genetics Tuebingen Variant Classification Criteria Version 2. Collection method: clinical testing. Allele origin: germline. Affected: yes. Observed: 1 variant allele.

Dr. Peter K. Rogan Lab, Western University
No classification provided (evidence only). Condition: Melanoma. Review status: no classification provided. Collection method: in vitro. Allele origin: not applicable. Functional consequence: retained intron. Not counted in ClinVar's aggregate classification.

NM_020964.3(EPG5):c.7165T>G (p.Leu2389Val)

Gene: EPG5 (ectopic P-granules 5 autophagy tethering factor; minus strand). Cytogenetic location: 18q12.3.
Variant type: single nucleotide variant.
Coding change: c.7165T>G on transcript NM_020964.3 (MANE Select); coding-DNA position 7165, T replaced by G.
Protein change: p.Leu2389Val; replaces leucine 2389 with valine.
Molecular consequence: missense variant.
Genome position (GRCh38, 1-based): chr18:45,858,627, A>C on the plus strand (T>G on the coding strand, the complement: EPG5 is on the minus strand). VCF-style: chr18-45858627-A-C. GRCh37 (hg19) VCF-style: chr18-43438592-A-C.
Other names: c.7165T>G, p.Leu2389Val (LRG_1234t1); short protein forms L2389V.
Identifiers: ClinVar variation 444432 (VCV000444432.59), dbSNP rs199602966, ClinGen allele CA8948067.